The following is an entry in ClinVar:

ClinVar aggregate classification (germline): Likely pathogenic (1 of 4 stars; one submission).

Conditions:
Early-infantile DEE. Also called: Early infantile epileptic encephalopathy; Early infantile epileptic encephalopathy with suppression bursts; Ohtahara syndrome. Identifiers: Orphanet 1934, MedGen C0393706, MONDO:0800491.

Submission:

Labcorp Genetics (formerly Invitae), Labcorp
Classification: Likely pathogenic for Early-infantile DEE. Last evaluated: 2024-10-30. Review status: criteria provided, single submitter. Criteria: Invitae Variant Classification Sherloc (09022015). Collection method: clinical testing. Allele origin: germline.
Comment: This sequence change affects a splice site in intron 10 of the SCN1A gene. It is expected to disrupt RNA splicing. Variants that disrupt the donor or acceptor splice site typically lead to a loss of protein function (PMID: 16199547), and loss-of-function variants in SCN1A are known to be pathogenic (PMID: 17347258, 18930999). This variant is not present in population databases (gnomAD no frequency). This variant has not been reported in the literature in individuals affected with SCN1A-related conditions. ClinVar contains an entry for this variant (Variation ID: 2831128). Algorithms developed to predict the effect of sequence changes on RNA splicing suggest that this variant may disrupt the consensus splice site. In summary, the currently available evidence indicates that the variant is pathogenic, but additional data are needed to prove that conclusively. Therefore, this variant has been classified as Likely Pathogenic.

Literature cited by the submitters: PubMed 16199547; PubMed 17347258; PubMed 18930999.

NM_001165963.4(SCN1A):c.1663-3_1663-2del

Gene: SCN1A (sodium voltage-gated channel alpha subunit 1; minus strand). Cytogenetic location: 2q24.3.
Variant type: Deletion.
Coding change: c.1663-3_1663-2del on transcript NM_001165963.4 (MANE Select); 3 bases into the intron before coding-DNA position 1663 through the canonical splice acceptor site of the intron before coding-DNA position 1663, 2 bases deleted (TA; older notation c.1663-3_1663-2delTA).
Molecular consequence: splice acceptor variant.
Genome position (GRCh38, 1-based): chr2:166,044,051-166,044,052, TA deleted on the plus strand (TA on the coding strand, the reverse complement: SCN1A is on the minus strand). VCF-style (leftmost placement, unchanged base first): chr2-166044050-CTA-C. GRCh37 (hg19) VCF-style: chr2-166900560-CTA-C.
Other names: c.1663-3_1663-2del (NM_001353949.2, NM_001353958.2, NM_001353950.2 and 7 more transcripts); c.1660-3_1660-2del (NM_001353955.2, NM_001353960.2, NM_001353954.2); c.-763-3_-763-2del (NM_001353961.2).
Identifiers: ClinVar variation 2831128 (VCV002831128.3), dbSNP rs2468156607, ClinGen allele CA2739271489.